The following is an entry in ClinVar:

ClinVar aggregate classification (germline): Uncertain significance (1 of 4 stars; one submission).

Submission:

Labcorp Genetics (formerly Invitae), Labcorp
Classification: Uncertain significance. Last evaluated: 2023-08-17. Review status: criteria provided, single submitter. Criteria: Invitae Variant Classification Sherloc (09022015). Collection method: clinical testing. Allele origin: germline.
Comment: In summary, the available evidence is currently insufficient to determine the role of this variant in disease. Therefore, it has been classified as a Variant of Uncertain Significance. Experimental studies and prediction algorithms are not available or were not evaluated, and the effect of this variant on mRNA splicing is currently unknown. ClinVar contains an entry for this variant (Variation ID: 1480951). This variant has not been reported in the literature in individuals affected with LONP1-related conditions. This variant is not present in population databases (gnomAD no frequency). This sequence change falls in intron 17 of the LONP1 gene. It does not directly change the encoded amino acid sequence of the LONP1 protein.

NM_004793.4(LONP1):c.2704-31_2706del

Gene: LONP1 (lon peptidase 1, mitochondrial; minus strand). Cytogenetic location: 19p13.3.
Variant type: Deletion.
Coding change: c.2704-31_2706del on transcript NM_004793.4 (MANE Select); 31 bases into the intron before coding-DNA position 2704 through coding-DNA position 2706, 34 bases deleted.
Molecular consequence: splice acceptor variant.
Genome position (GRCh38, 1-based): chr19:5,692,206-5,692,239, 34 bases deleted; deleting any 34 consecutive bases within chr19:5,692,206-5,692,245 gives the same sequence; the c. name uses the placement nearest the transcript's 3' end. GRCh37 (hg19): chr19:5,692,223-5,692,256.
Other names: c.2116-31_2118del (NM_001276480.1); c.2512-31_2514del (NM_001276479.2).
Identifiers: ClinVar variation 1480951 (VCV001480951.8), dbSNP rs2054838057, ClinGen allele CA2320058550.